The following is an entry in ClinVar:

ClinVar aggregate classification (germline): Uncertain significance (1 of 4 stars; one submission).

Conditions:
Primary ciliary dyskinesia. Also called: Ciliary dyskinesia. Identifiers: Orphanet 244, MedGen C0008780, MONDO:0016575, HP:0012265.

Submission:

Labcorp Genetics (formerly Invitae), Labcorp
Classification: Uncertain significance for Primary ciliary dyskinesia. Last evaluated: 2017-12-06. Review status: criteria provided, single submitter. Criteria: Invitae Variant Classification Sherloc (09022015). Collection method: clinical testing. Allele origin: germline.
Comment: Algorithms developed to predict the effect of missense changes on protein structure and function (SIFT, PolyPhen-2, Align-GVGD) all suggest that this variant is likely to be tolerated, but these predictions have not been confirmed by published functional studies and their clinical significance is uncertain. In summary, the available evidence is currently insufficient to determine the role of this variant in disease. Therefore, it has been classified as a Variant of Uncertain Significance. This sequence change replaces asparagine with threonine at codon 650 of the CCDC40 protein (p.Asn650Thr). The asparagine residue is moderately conserved and there is a small physicochemical difference between asparagine and threonine. This variant is not present in population databases (ExAC no frequency). This variant has not been reported in the literature in individuals with CCDC40-related disease.

NM_017950.4(CCDC40):c.1949A>C (p.Asn650Thr)

Gene: CCDC40 (coiled-coil domain 40 molecular ruler complex subunit; plus strand). Cytogenetic location: 17q25.3.
Variant type: single nucleotide variant.
Coding change: c.1949A>C on transcript NM_017950.4 (MANE Select); coding-DNA position 1949, A replaced by C.
Protein change: p.Asn650Thr; replaces asparagine 650 with threonine.
Molecular consequence: missense variant.
Genome position (GRCh38, 1-based): chr17:80,082,018, A>C. VCF-style: chr17-80082018-A-C. GRCh37 (hg19) VCF-style: chr17-78055817-A-C.
Other names: c.1949A>C, p.Asn650Thr (NM_001243342.2); short protein forms N650T.
Identifiers: ClinVar variation 525407 (VCV000525407.9), dbSNP rs201064110, ClinGen allele CA401339835.